The following is an entry in ClinVar:

NM_024675.4(PALB2):c.2393_2394dup (p.Thr799fs)

Gene: PALB2 (partner and localizer of BRCA2; minus strand). Cytogenetic location: 16p12.2.
Variant type: Duplication.
Coding change: c.2393_2394dup on transcript NM_024675.4 (MANE Select); coding-DNA positions 2393 to 2394, 2 bases duplicated (CT; older notation c.2393_2394dupCT).
Protein change: p.Thr799fs; shifts the reading frame from threonine 799.
Molecular consequence: frameshift variant.
Genome position (GRCh38, 1-based): chr16:23,629,760-23,629,761, AG duplicated on the plus strand (CT on the coding strand, the reverse complement: PALB2 is on the minus strand). VCF-style (leftmost placement, unchanged base first): chr16-23629759-T-TAG. GRCh37 (hg19) VCF-style: chr16-23641080-T-TAG.
Other names: c.2393_2394dupCT (NM_024675.3); short protein forms T799fs.
Identifiers: ClinVar variation 860536 (VCV000860536.19), dbSNP rs1966856749, ClinGen allele CA916081833.
Genomic context (GRCh38, chr16:23,629,759, plus strand): 5'-TAAAAGTGAATGACTCAATGGGTGGAGGTGTTCCTGGCGGGACAGAGTCACAGTCACAGG[T>TAG]AGGTTGTCCTTGCCTGCCTGACACTTGCAGGGTGGTATGTGGTTTTGCTGGGCTGCCTGA-3'

ClinVar aggregate classification (germline): Pathogenic. Review status: criteria provided, multiple submitters, no conflicts (2 of 4 stars). 6 submissions from 6 submitters: Pathogenic (6). Last evaluated 2026-08-01.

Conditions:
Familial cancer of breast. Also called: Hereditary breast cancer; BREAST CANCER, FAMILIAL; hereditary breast carcinoma. Identifiers: Orphanet 227535, MedGen C0346153, MONDO:0016419, OMIM 114480. Disease mechanism: loss of function.
Hereditary cancer-predisposing syndrome. Also called: Hereditary Cancer Syndrome; Tumor predisposition; Neoplastic Syndromes, Hereditary; Hereditary neoplastic syndrome. Identifiers: Orphanet 140162, MedGen C0027672, MeSH D009386, MONDO:0015356.

Submissions (6):

CeGaT Center for Human Genetics Tuebingen
Classification: Pathogenic. Last evaluated: 2026-08-01. Review status: criteria provided, single submitter. Criteria: CeGaT Center For Human Genetics Tuebingen Variant Classification Criteria Version 2. Collection method: clinical testing. Allele origin: germline. Affected: yes. Observed: 1 variant allele.
Comment: PALB2: PVS1, PM2

GeneDx
Classification: Pathogenic. Last evaluated: 2026-06-08. Review status: criteria provided, single submitter. Criteria: GeneDx Variant Classification Process June 2021. Collection method: clinical testing. Allele origin: germline.
Comment: Frameshift variant predicted to result in protein truncation or nonsense mediated decay in a gene for which loss of function is a known mechanism of disease; Not observed at significant frequency in large population cohorts (gnomAD); Truncating variants in this gene are considered pathogenic by a well-established clinical consortium and/or database; Observed with a pathogenic variant in an individual with Fanconi anemia in published literature, but it is not known whether the variants occurred on the same (in cis) or on different (in trans) chromosomes (PMID: 17200671); This variant is associated with the following publications: (PMID: 17200671)

Labcorp Genetics (formerly Invitae), Labcorp
Classification: Pathogenic for Familial cancer of breast. Last evaluated: 2025-12-28. Review status: criteria provided, single submitter. Criteria: Invitae Variant Classification Sherloc (09022015). Collection method: clinical testing. Allele origin: germline.
Comment: This sequence change creates a premature translational stop signal (p.Thr799Leufs*53) in the PALB2 gene. It is expected to result in an absent or disrupted protein product. Loss-of-function variants in PALB2 are known to be pathogenic (PMID: 17200668, 17200671, 17200672, 24136930, 25099575). This variant is not present in population databases (gnomAD no frequency). This premature translational stop signal has been observed in individual(s) with Fanconi anemia (PMID: 17200671). In at least one individual the data is consistent with being in trans (on the opposite chromosome) from a pathogenic variant. ClinVar contains an entry for this variant (Variation ID: 860536). For these reasons, this variant has been classified as Pathogenic.

Ambry Genetics
Classification: Pathogenic for Hereditary cancer-predisposing syndrome. Last evaluated: 2025-01-08. Review status: criteria provided, single submitter. Criteria: Ambry Variant Classification Scheme 2023. Collection method: clinical testing. Allele origin: germline.
Comment: The c.2393_2394dupCT pathogenic mutation, located in coding exon 5 of the PALB2 gene, results from a duplication of CT at nucleotide position 2393, causing a translational frameshift with a predicted alternate stop codon (p.T799Lfs*53). In addition to the clinical data presented in the literature, this alteration is expected to result in loss of function by premature protein truncation or nonsense-mediated mRNA decay. As such, this alteration is interpreted as a disease-causing mutation.

Myriad Genetics, Inc.
Classification: Pathogenic for Familial cancer of breast. Last evaluated: 2023-09-12. Review status: criteria provided, single submitter. Criteria: Myriad Autosomal Dominant, Autosomal Recessive and X-Linked Classification Criteria (2023). Collection method: clinical testing. Allele origin: unknown.
Comment: This variant is considered pathogenic. This variant creates a frameshift predicted to result in premature protein truncation.

Baylor Genetics
Classification: Pathogenic for Familial cancer of breast. Last evaluated: 2022-08-10. Review status: criteria provided, single submitter. Criteria: ACMG Guidelines, 2015. Collection method: clinical testing. Allele origin: unknown.

Literature cited by the submitters: PubMed 17200668 (cited by Labcorp Genetics (formerly Invitae), Labcorp); PubMed 17200671 (cited by Labcorp Genetics (formerly Invitae), Labcorp and Ambry Genetics); PubMed 17200672 (cited by Labcorp Genetics (formerly Invitae), Labcorp); PubMed 24136930 (cited by Labcorp Genetics (formerly Invitae), Labcorp); PubMed 25099575 (cited by Labcorp Genetics (formerly Invitae), Labcorp).